The following is an entry in ClinVar:

ClinVar aggregate classification (germline): Likely benign. Review status: criteria provided, multiple submitters, no conflicts (2 of 4 stars). 4 submissions from 4 submitters: Likely benign (4). Last evaluated 2024-12-04.

Conditions:
TRIM71-related disorder. Also called: TRIM71-related condition.

Allele frequency attached by ClinVar (database versions not stated): ExAC 0.00018; ESP Exome Variant Server 0.00025; gnomAD 0.00040 and 0.00044; TOPMed 0.00049; 1000 Genomes Project 30x 0.00125; 1000 Genomes Project 0.00160; gnomAD exomes 0.00011 and 0.00016.
gnomAD v4.1: 261 of 1,613,512 alleles (0.016%); highest among the groups gnomAD compares: Middle Eastern, 0.3%; 3 homozygotes.

Submissions (4):

PreventionGenetics, part of Exact Sciences
Classification: Likely benign for TRIM71-related condition. Last evaluated: 2024-12-04. Review status: criteria provided, single submitter. Criteria: ACMG Guidelines, 2015. Collection method: clinical testing. Allele origin: germline.
Comment: This variant is classified as likely benign based on ACMG/AMP sequence variant interpretation guidelines (Richards et al. 2015 PMID: 25741868, with internal and published modifications).

Blueprint Genetics
Classification: Likely benign. Last evaluated: 2024-09-16. Review status: criteria provided, single submitter. Criteria: ACMG Guidelines, 2015. Collection method: clinical testing. Allele origin: germline.

Labcorp Genetics (formerly Invitae), Labcorp
Classification: Likely benign. Last evaluated: 2018-04-30. Review status: criteria provided, single submitter. Criteria: Invitae Variant Classification Sherloc (09022015). Collection method: clinical testing. Allele origin: germline.

Breakthrough Genomics
Classification: Likely benign. Review status: criteria provided, single submitter. Criteria: ACMG Guidelines, 2015. Collection method: not provided. Allele origin: germline. Inheritance: Autosomal dominant inheritance. Affected: yes.

NM_001039111.3(TRIM71):c.2310G>T (p.Arg770=)

Gene: TRIM71 (tripartite motif containing 71; plus strand). Cytogenetic location: 3p22.3.
Variant type: single nucleotide variant.
Coding change: c.2310G>T on transcript NM_001039111.3 (MANE Select); coding-DNA position 2310, G replaced by T.
Protein change: p.Arg770=; no amino-acid change (arginine 770 retained).
Molecular consequence: synonymous variant.
Genome position (GRCh38, 1-based): chr3:32,891,514, G>T. VCF-style: chr3-32891514-G-T. GRCh37 (hg19) VCF-style: chr3-32933006-G-T.
Identifiers: ClinVar variation 742088 (VCV000742088.6), dbSNP rs112979410, ClinGen allele CA2298972.